The following is an entry in ClinVar:

ClinVar aggregate classification (germline): other (0 of 4 stars; one submission).

Conditions:
Familial colorectal cancer. Identifiers: MedGen CN280943, MONDO:0023113. Disease mechanism: loss of function.

Submission:

Systems Biology Platform Zhejiang California International NanoSystems Institute
Classification: other for Familial colorectal cancer. Review status: no assertion criteria provided. Collection method: not provided. Allele origin: unknown.
ClinVar note: Converted during submission from cancer to other.

NM_000038.6(APC):c.423-2396C>A

Gene: APC (APC regulator of WNT signaling pathway; plus strand). Cytogenetic location: 5q22.2.
Variant type: single nucleotide variant.
Coding change: c.423-2396C>A on transcript NM_000038.6 (MANE Select); 2396 bases into the intron before coding-DNA position 423, C replaced by A.
Molecular consequence: intron variant.
Genome position (GRCh38, 1-based): chr5:112,773,233, C>A. VCF-style: chr5-112773233-C-A. GRCh37 (hg19) VCF-style: chr5-112108930-C-A.
Other names: c.423-2396C>A (NM_001354895.2, NM_001127510.3, NM_001354896.2 and 2 more transcripts); c.453-2396C>A (NM_001354897.2, NM_001354902.2, NM_001127511.3); c.348-2396C>A (NM_001354898.2, NM_001354904.2); c.-613-2396C>A (NM_001354906.2); c.246-2396C>A (NM_001354900.2, NM_001354901.2, NM_001354905.2).
Identifiers: ClinVar variation 82897 (VCV000082897.2), dbSNP rs75837523, ClinGen allele CA009218.